The following is an entry in ClinVar:

ClinVar aggregate classification (germline): Uncertain significance. Review status: criteria provided, multiple submitters, no conflicts (2 of 4 stars). 4 submissions from 4 submitters: Uncertain significance (3). 1 of the submissions does not count toward it. Last evaluated 2022-06-14.

Conditions:
Microcephalic osteodysplastic primordial dwarfism type II (MOPD2). Also called: Microcephalic osteodysplastic primordial dwarfism with tooth abnormalities; MOPD II; OSTEODYSPLASTIC PRIMORDIAL DWARFISM, TYPE II. Identifiers: Orphanet 2637, MedGen C0432246, MONDO:0008872, OMIM 210720.
PCNT-related disorder. Also called: PCNT-related condition.

Allele frequency attached by ClinVar (database versions not stated): ExAC 0.00007; gnomAD exomes 0.00007 and 0.00022; gnomAD 0.00009 and 0.00011; TOPMed 0.00009; ESP Exome Variant Server 0.00023.
gnomAD v4.1: 321 of 1,613,818 alleles (0.02%); highest among the groups gnomAD compares: Non-Finnish European, 0.026%; no homozygotes.

Submissions (4):

Labcorp Genetics (formerly Invitae), Labcorp
Classification: Uncertain significance. Last evaluated: 2022-06-14. Review status: criteria provided, single submitter. Criteria: Invitae Variant Classification Sherloc (09022015). Collection method: clinical testing. Allele origin: germline.
Comment: This sequence change replaces arginine, which is basic and polar, with glutamine, which is neutral and polar, at codon 1408 of the PCNT protein (p.Arg1408Gln). This variant is present in population databases (rs199661615, gnomAD 0.01%). This variant has not been reported in the literature in individuals affected with PCNT-related conditions. ClinVar contains an entry for this variant (Variation ID: 340488). Algorithms developed to predict the effect of missense changes on protein structure and function output the following: SIFT: "Tolerated"; PolyPhen-2: "Benign"; Align-GVGD: "Class C0". The glutamine amino acid residue is found in multiple mammalian species, which suggests that this missense change does not adversely affect protein function. Algorithms developed to predict the effect of sequence changes on RNA splicing suggest that this variant may create or strengthen a splice site. In summary, the available evidence is currently insufficient to determine the role of this variant in disease. Therefore, it has been classified as a Variant of Uncertain Significance.

GeneDx
Classification: Uncertain significance. Last evaluated: 2019-06-17. Review status: criteria provided, single submitter. Criteria: GeneDx Variant Classification Process June 2021. Collection method: clinical testing. Allele origin: germline. Affected: yes.
Comment: Not observed at a significant frequency in large population cohorts (Lek et al., 2016); In silico analysis, which includes protein predictors and evolutionary conservation, supports that this variant does not alter protein structure/function; Has not been previously published as pathogenic or benign to our knowledge

Illumina Laboratory Services, Illumina
Classification: Uncertain significance for Microcephalic osteodysplastic primordial dwarfism type II. Last evaluated: 2018-01-13. Review status: criteria provided, single submitter. Criteria: ICSL Variant Classification Criteria 13 December 2019. Collection method: clinical testing. Allele origin: germline.

PreventionGenetics, part of Exact Sciences
Classification: Uncertain significance for PCNT-related condition. Last evaluated: 2024-02-01. Review status: no assertion criteria provided. Collection method: clinical testing. Allele origin: germline. Not counted in ClinVar's aggregate classification.
Comment: The PCNT c.4223G>A variant is predicted to result in the amino acid substitution p.Arg1408Gln. To our knowledge, this variant has not been reported in the literature. This variant is reported in 0.012% of alleles in individuals of European (Non-Finnish) descent in gnomAD. At this time, the clinical significance of this variant is uncertain due to the absence of conclusive functional and genetic evidence.

NM_006031.6(PCNT):c.4223G>A (p.Arg1408Gln)

Gene: PCNT (pericentrin; plus strand). Cytogenetic location: 21q22.3.
Variant type: single nucleotide variant.
Coding change: c.4223G>A on transcript NM_006031.6 (MANE Select); coding-DNA position 4223, G replaced by A.
Protein change: p.Arg1408Gln; replaces arginine 1408 with glutamine.
Molecular consequence: missense variant.
Genome position (GRCh38, 1-based): chr21:46,397,271, G>A. VCF-style: chr21-46397271-G-A. GRCh37 (hg19) VCF-style: chr21-47817185-G-A.
Other names: c.3869G>A, p.Arg1290Gln (NM_001315529.2); short protein forms R1408Q, R1290Q.
Identifiers: ClinVar variation 340488 (VCV000340488.12), dbSNP rs199661615, ClinGen allele CA10079585.
Genomic context (GRCh38, chr21:46,397,271, plus strand): 5'-ACCAGCCTCTGAGGTGCGGGGGTGTCCCCGTGTCTGTCCTGTTTGCATCCTTAGCTCTCC[G>A]GAAGGAAGTGGAGGATCTGACCAAAGAACAGTCGGAGACCAGGAAGCAGGCTGAGAAGGA-3'
Protein context (NP_006022.3, residues 1398-1418): TDAEAREAAL[Arg1408Gln]KEVEDLTKEQ